The following is an entry in ClinVar:

NM_001136472.2(LITAF):c.88A>T (p.Asn30Tyr)

Gene: LITAF (lipopolysaccharide induced TNF factor; minus strand). Cytogenetic location: 16p13.13.
Variant type: single nucleotide variant.
Coding change: c.88A>T on transcript NM_001136472.2 (MANE Select); coding-DNA position 88, A replaced by T.
Protein change: p.Asn30Tyr; replaces asparagine 30 with tyrosine.
Molecular consequence: missense variant. On other transcripts: non-coding transcript variant (1).
Genome position (GRCh38, 1-based): chr16:11,556,643, T>A on the plus strand (A>T on the coding strand, the complement: LITAF is on the minus strand). VCF-style: chr16-11556643-T-A. GRCh37 (hg19) VCF-style: chr16-11650499-T-A.
Other names: c.88A>T, p.Asn30Tyr (NM_001136473.1, NM_004862.4); short protein forms N30Y.
Identifiers: ClinVar variation 317788 (VCV000317788.15), dbSNP rs368574479, ClinGen allele CA10642888.

ClinVar aggregate classification (germline): Uncertain significance. Review status: criteria provided, multiple submitters, no conflicts (2 of 4 stars). 4 submissions from 4 submitters: Uncertain significance (4). Last evaluated 2025-03-20.

Conditions:
LITAF-related disorder. Also called: LITAF-related condition.
Charcot-Marie-Tooth disease type 1C. Also called: CHARCOT-MARIE-TOOTH DISEASE, DEMYELINATING, TYPE 1C; HMSN IC; Charcot-Marie-Tooth disease, type IC; CMT, SLOW NERVE CONDUCTION TYPE C; CHARCOT-MARIE-TOOTH NEUROPATHY, TYPE 1C; NEUROPATHY, HEREDITARY MOTOR AND SENSORY, TYPE IC. Identifiers: Orphanet 101083, MedGen C0270913, MONDO:0010995, OMIM 601098.

Allele frequency attached by ClinVar (database versions not stated): gnomAD exomes below 0.00001; gnomAD 0.00001; TOPMed 0.00002.
gnomAD v4.1: 10 of 1,614,056 alleles (0.00062%); highest among the groups gnomAD compares: East Asian, 0.0067%; no homozygotes.

Submissions (4):

PreventionGenetics, part of Exact Sciences
Classification: Uncertain significance for LITAF-related condition. Last evaluated: 2025-03-20. Review status: criteria provided, single submitter. Criteria: ACMG Guidelines, 2015. Collection method: clinical testing. Allele origin: germline.
Comment: The LITAF c.88A>T variant is predicted to result in the amino acid substitution p.Asn30Tyr. To our knowledge, this variant has not been reported in the literature. This variant is reported in 0.010% of alleles in individuals of East Asian descent in gnomAD. At this time, the clinical significance of this variant is uncertain due to the absence of conclusive functional and genetic evidence.

Labcorp Genetics (formerly Invitae), Labcorp
Classification: Uncertain significance for Charcot-Marie-Tooth disease type 1C. Last evaluated: 2024-08-19. Review status: criteria provided, single submitter. Criteria: Invitae Variant Classification Sherloc (09022015). Collection method: clinical testing. Allele origin: germline.
Comment: This sequence change replaces asparagine, which is neutral and polar, with tyrosine, which is neutral and polar, at codon 30 of the LITAF protein (p.Asn30Tyr). This variant is present in population databases (rs368574479, gnomAD 0.006%). This variant has not been reported in the literature in individuals affected with LITAF-related conditions. ClinVar contains an entry for this variant (Variation ID: 317788). An algorithm developed to predict the effect of missense changes on protein structure and function (PolyPhen-2) suggests that this variant is likely to be tolerated. In summary, the available evidence is currently insufficient to determine the role of this variant in disease. Therefore, it has been classified as a Variant of Uncertain Significance.

ARUP Laboratories, Molecular Genetics and Genomics, ARUP Laboratories
Classification: Uncertain significance for Charcot-Marie-Tooth disease type 1C. Last evaluated: 2024-04-19. Review status: criteria provided, single submitter. Criteria: ARUP Molecular Germline Variant Investigation Process 2024. Collection method: clinical testing. Allele origin: germline.
Comment: The LITAF c.88A>T; p.Asn30Tyr variant (rs368574479), to our knowledge, is not reported in the medical literature but is reported in ClinVar (Variation ID: 317788). This variant is only observed on one allele in the Genome Aggregation Database (v2.1.1), indicating it is not a common polymorphism. Computational analyses are uncertain whether this variant is neutral or deleterious (REVEL: 0.551). Due to limited information, the clinical significance of this variant is uncertain at this time.

Illumina Laboratory Services, Illumina
Classification: Uncertain significance for Charcot-Marie-Tooth disease type 1C. Last evaluated: 2018-01-12. Review status: criteria provided, single submitter. Criteria: ICSL Variant Classification Criteria 13 December 2019. Collection method: clinical testing. Allele origin: germline.